The following is an entry in ClinVar:

ClinVar aggregate classification (germline): Uncertain significance (1 of 4 stars; one submission).

Submission:

Labcorp Genetics (formerly Invitae), Labcorp
Classification: Uncertain significance. Last evaluated: 2022-04-23. Review status: criteria provided, single submitter. Criteria: Invitae Variant Classification Sherloc (09022015). Collection method: clinical testing. Allele origin: germline.
Comment: This sequence change replaces histidine, which is basic and polar, with glutamine, which is neutral and polar, at codon 400 of the PLK4 protein (p.His400Gln). This variant is not present in population databases (gnomAD no frequency). This variant has not been reported in the literature in individuals affected with PLK4-related conditions. Algorithms developed to predict the effect of missense changes on protein structure and function (SIFT, PolyPhen-2, Align-GVGD) all suggest that this variant is likely to be tolerated. In summary, the available evidence is currently insufficient to determine the role of this variant in disease. Therefore, it has been classified as a Variant of Uncertain Significance.

NM_014264.5(PLK4):c.1200C>A (p.His400Gln)

Gene: PLK4 (polo like kinase 4; plus strand). Cytogenetic location: 4q28.1.
Variant type: single nucleotide variant.
Coding change: c.1200C>A on transcript NM_014264.5 (MANE Select); coding-DNA position 1200, C replaced by A.
Protein change: p.His400Gln; replaces histidine 400 with glutamine.
Molecular consequence: missense variant.
Genome position (GRCh38, 1-based): chr4:127,886,570, C>A. VCF-style: chr4-127886570-C-A. GRCh37 (hg19) VCF-style: chr4-128807725-C-A.
Other names: c.1104C>A, p.His368Gln (NM_001190799.2); c.1077C>A, p.His359Gln (NM_001190801.2); short protein forms H368Q, H359Q, H400Q.
Identifiers: ClinVar variation 2129444 (VCV002129444.4), dbSNP rs1735142016, ClinGen allele CA358152914.